The following is an entry in ClinVar:

NM_001853.4(COL9A3):c.722G>C (p.Gly241Ala)

Gene: COL9A3 (collagen type IX alpha 3 chain; plus strand). Cytogenetic location: 20q13.33.
Variant type: single nucleotide variant.
Coding change: c.722G>C on transcript NM_001853.4 (MANE Select); coding-DNA position 722, G replaced by C.
Protein change: p.Gly241Ala; replaces glycine 241 with alanine.
Molecular consequence: missense variant.
Genome position (GRCh38, 1-based): chr20:62,826,241, G>C. VCF-style: chr20-62826241-G-C. GRCh37 (hg19) VCF-style: chr20-61457593-G-C.
Other names: c.722G>C, p.Gly241Ala (LRG_1253t1); short protein forms G241A.
Identifiers: ClinVar variation 521579 (VCV000521579.13), dbSNP rs991678832, ClinGen allele CA317331058.
Genomic context (GRCh38, chr20:62,826,241, plus strand): 5'-GCATCTGTGCCTCTCTCTCGCAGGGCCCCCGGGGATTACGAGGACTGCCAGGGCCACTCG[G>C]GCCCCCTGGGGACCGGGTAAGTCCTGCAGCCCCTAGTGGGGGCCGGCCAGGTGGCTGGGG-3'
Protein context (NP_001844.3, residues 231-251): RGLRGLPGPL[Gly241Ala]PPGDRGPIGF

ClinVar aggregate classification (germline): Uncertain significance. Review status: criteria provided, multiple submitters, no conflicts (2 of 4 stars). 4 submissions from 4 submitters: Uncertain significance (4). Last evaluated 2026-03-27.

Conditions:
COL9A3-related disorder. Also called: COL9A3-related condition.
Inborn genetic diseases. Identifiers: MedGen C0950123, MeSH D030342.

Allele frequency attached by ClinVar (database versions not stated): gnomAD exomes 0.00001; gnomAD 0.00002; TOPMed 0.00002.
gnomAD v4.1: 36 of 1,555,022 alleles (0.0023%); highest among the groups gnomAD compares: Middle Eastern, 0.018%; no homozygotes.

Submissions (4):

PreventionGenetics, part of Exact Sciences
Classification: Uncertain significance for COL9A3-related condition. Last evaluated: 2026-03-27. Review status: criteria provided, single submitter. Criteria: ACMG Guidelines, 2015. Collection method: clinical testing. Allele origin: germline.
Comment: The COL9A3 c.722G>C variant is predicted to result in the amino acid substitution p.Gly241Ala. To our knowledge, this variant has not been reported in the literature. This variant is reported in 0.0033% of alleles in individuals of European (Non-Finnish) descent in gnomAD. At this time, the clinical significance of this variant is uncertain due to the absence of conclusive functional and genetic evidence.

Labcorp Genetics (formerly Invitae), Labcorp
Classification: Uncertain significance. Last evaluated: 2024-11-25. Review status: criteria provided, single submitter. Criteria: Invitae Variant Classification Sherloc (09022015). Collection method: clinical testing. Allele origin: germline.
Comment: This sequence change replaces glycine, which is neutral and non-polar, with alanine, which is neutral and non-polar, at codon 241 of the COL9A3 protein (p.Gly241Ala). This variant is present in population databases (no rsID available, gnomAD 0.004%). This variant has not been reported in the literature in individuals affected with COL9A3-related conditions. ClinVar contains an entry for this variant (Variation ID: 521579). Invitae Evidence Modeling of protein sequence and biophysical properties (such as structural, functional, and spatial information, amino acid conservation, physicochemical variation, residue mobility, and thermodynamic stability) indicates that this missense variant is expected to disrupt COL9A3 protein function with a positive predictive value of 95%. In summary, the available evidence is currently insufficient to determine the role of this variant in disease. Therefore, it has been classified as a Variant of Uncertain Significance.

GeneDx
Classification: Uncertain significance. Last evaluated: 2024-03-28. Review status: criteria provided, single submitter. Criteria: GeneDx Variant Classification Process June 2021. Collection method: clinical testing. Allele origin: germline. Affected: yes.
Comment: Has not been previously published as pathogenic or benign to our knowledge; Not observed at significant frequency in large population cohorts (gnomAD); In silico analysis supports that this missense variant has a deleterious effect on protein structure/function

Ambry Genetics
Classification: Uncertain significance for Inborn genetic diseases. Last evaluated: 2017-02-14. Review status: criteria provided, single submitter. Criteria: Ambry exome assertion method (8-5-2015). Collection method: clinical testing. Allele origin: germline. Affected: yes. Observed: 1 variant allele.